The following is an entry in ClinVar:

ClinVar aggregate classification (germline): Pathogenic (1 of 4 stars; one submission).

Conditions:
Deficiency of adenosine deaminase 2. Also called: Polyarteritis nodosa, childhoood-onset; Adenosine Deaminase 2 Deficiency; VASCULITIS, AUTOINFLAMMATION, IMMUNODEFICIENCY, AND HEMATOLOGIC DEFECTS SYNDROME. Identifiers: Orphanet 404553, MedGen C3887654, MONDO:0014306, OMIM 615688, MONDO:0100317.

Allele frequency attached by ClinVar (database versions not stated): gnomAD exomes below 0.00001; gnomAD 0.00001.
gnomAD v4.1: 2 of 1,613,994 alleles (0.00012%); highest among the groups gnomAD compares: African/African-American, 0.0013%; no homozygotes.

Submission:

Labcorp Genetics (formerly Invitae), Labcorp
Classification: Pathogenic for Deficiency of adenosine deaminase 2. Last evaluated: 2023-02-22. Review status: criteria provided, single submitter. Criteria: Invitae Variant Classification Sherloc (09022015). Collection method: clinical testing. Allele origin: germline.
Comment: This sequence change creates a premature translational stop signal (p.Trp399*) in the ADA2 gene. It is expected to result in an absent or disrupted protein product. Loss-of-function variants in ADA2 are known to be pathogenic (PMID: 24552284, 24552285). This variant is not present in population databases (gnomAD no frequency). For these reasons, this variant has been classified as Pathogenic. This premature translational stop signal has been observed in individual(s) with deficiency of adenosine deaminase 2 (DADA2) and/or neutropenia (PMID: 31031743, 34324127).

Literature cited by the submitters: PubMed 24552284; PubMed 24552285; PubMed 31031743; PubMed 34324127.

NM_001282225.2(ADA2):c.1196G>A (p.Trp399Ter)

Gene: ADA2 (adenosine deaminase 2; minus strand). Cytogenetic location: 22q11.1.
Variant type: single nucleotide variant.
Coding change: c.1196G>A on transcript NM_001282225.2 (MANE Select); coding-DNA position 1196, G replaced by A.
Protein change: p.Trp399Ter; replaces tryptophan 399 with a stop codon.
Molecular consequence: nonsense.
Genome position (GRCh38, 1-based): chr22:17,182,647, C>T on the plus strand (G>A on the coding strand, the complement: ADA2 is on the minus strand). VCF-style: chr22-17182647-C-T. GRCh37 (hg19) VCF-style: chr22-17663537-C-T.
Other names: c.1196G>A, p.Trp399Ter (NM_001282226.2); c.1070G>A, p.Trp357Ter (NM_001282227.2, NM_001282228.2); c.836G>A, p.Trp279Ter (NM_001282229.2); c.473G>A, p.Trp158Ter (NM_177405.3); short protein forms W399*, W279*, W158*, W357*.
Identifiers: ClinVar variation 624612 (VCV000624612.4), dbSNP rs1568966771, ClinGen allele CA410232158.